The following is an entry in ClinVar:

NM_003024.3(ITSN1):c.2691G>C (p.Thr897=)

Gene: ITSN1 (intersectin 1; plus strand). Cytogenetic location: 21q22.11.
Variant type: single nucleotide variant.
Coding change: c.2691G>C on transcript NM_003024.3 (MANE Select); coding-DNA position 2691, G replaced by C.
Protein change: p.Thr897=; no amino-acid change (threonine 897 retained).
Molecular consequence: synonymous variant.
Genome position (GRCh38, 1-based): chr21:33,814,036, G>C. VCF-style: chr21-33814036-G-C. GRCh37 (hg19) VCF-style: chr21-35186340-G-C.
Other names: c.2691G>C, p.Thr897= (NM_001001132.2, NM_001331008.2); c.2676G>C, p.Thr892= (NM_001331009.2, NM_001331010.2, NM_001331011.2); c.2565G>C, p.Thr855= (NM_001331012.2).
Identifiers: ClinVar variation 5040182 (VCV005040182.1).
Genomic context (GRCh38, chr21:33,814,036, plus strand): 5'-CTCTCTCACCGTTCCAAGTGCCGGCCAGTTAAGGCAGAGGTCCGCCTTTACTCCAGCCAC[G>C]GCCACTGGCTCCTCCCCGTCTCCTGTGCTAGGCCAGGTAAAGGCAGCCAGTGAGAGTGTG-3'
Protein context (NP_003015.2, residues 887-907): LRQRSAFTPA[Thr897=]ATGSSPSPVL

ClinVar aggregate classification (germline): Likely benign (1 of 4 stars; one submission).

Submission:

CeGaT Center for Human Genetics Tuebingen
Classification: Likely benign. Last evaluated: 2026-07-01. Review status: criteria provided, single submitter. Criteria: CeGaT Center For Human Genetics Tuebingen Variant Classification Criteria Version 2. Collection method: clinical testing. Allele origin: germline. Affected: yes. Observed: 1 variant allele.
Comment: ITSN1: PM2:Supporting, BP4, BP7